The following is an entry in ClinVar:

ClinVar aggregate classification (germline): Uncertain significance (1 of 4 stars; one submission).

Submission:

Labcorp Genetics (formerly Invitae), Labcorp
Classification: Uncertain significance. Last evaluated: 2025-02-08. Review status: criteria provided, single submitter. Criteria: Invitae Variant Classification Sherloc (09022015). Collection method: clinical testing. Allele origin: germline.
Comment: This sequence change creates a premature translational stop signal (p.Val2564Glufs*22) in the FLNB gene. While this is not anticipated to result in nonsense mediated decay, it is expected to disrupt the last 39 amino acid(s) of the FLNB protein. This variant is not present in population databases (gnomAD no frequency). This variant has not been reported in the literature in individuals affected with FLNB-related conditions. Experimental studies and prediction algorithms are not available or were not evaluated, and the functional significance of this variant is currently unknown. In summary, the available evidence is currently insufficient to determine the role of this variant in disease. Therefore, it has been classified as a Variant of Uncertain Significance.

NM_001457.4(FLNB):c.7691del (p.Val2564fs)

Gene: FLNB (filamin B; plus strand). Cytogenetic location: 3p14.3.
Variant type: Deletion.
Coding change: c.7691del on transcript NM_001457.4 (MANE Select); coding-DNA position 7691, one base deleted (T; older notation c.7691delT).
Protein change: p.Val2564fs; shifts the reading frame from valine 2564.
Molecular consequence: frameshift variant.
Genome position (GRCh38, 1-based): chr3:58,170,644, T deleted. VCF-style (leftmost placement, unchanged base first): chr3-58170643-GT-G. GRCh37 (hg19) VCF-style: chr3-58156370-GT-G.
Other names: c.7784del, p.Val2595fs (NM_001164317.2); c.7658del, p.Val2553fs (NM_001164318.2); c.7619del, p.Val2540fs (NM_001164319.2); short protein forms V2553fs, V2564fs, V2540fs, V2595fs.
Identifiers: ClinVar variation 4712610 (VCV004712610.1).